The following is an entry in ClinVar:

NM_001103.4(ACTN2):c.1974+13C>T

Gene: ACTN2 (actinin alpha 2; plus strand). Cytogenetic location: 1q43.
Variant type: single nucleotide variant.
Coding change: c.1974+13C>T on transcript NM_001103.4 (MANE Select); 13 bases into the intron after coding-DNA position 1974, C replaced by T.
Molecular consequence: intron variant.
Genome position (GRCh38, 1-based): chr1:236,754,094, C>T. VCF-style: chr1-236754094-C-T. GRCh37 (hg19) VCF-style: chr1-236917394-C-T.
Other names: c.1350+13C>T (NM_001278344.2); c.1974+13C>T (NM_001278343.2).
Identifiers: ClinVar variation 386603 (VCV000386603.1), dbSNP rs758836174, ClinGen allele CA1473296.
Genomic context (GRCh38, chr1:236,754,094, plus strand): 5'-GCTGCCCAAGCCAATGCCATTGGGCCCTGGATCCAGAACAAGATGGAGGTAAGCCAGCGC[C>T]CTCCCAGGCGCTGTTCACAAGCCTTGCGATAAGTCCCTTTAGCCACGCAGCAGTGACACC-3'

ClinVar aggregate classification (germline): Likely benign (1 of 4 stars; one submission).

Allele frequency attached by ClinVar (database versions not stated): gnomAD exomes below 0.00001; ExAC 0.00001.
gnomAD v4.1: 2 of 1,613,416 alleles (0.00012%); highest among the groups gnomAD compares: African/African-American, 0.0013%; no homozygotes.

Submission:

GeneDx
Classification: Likely benign. Last evaluated: 2016-05-27. Review status: criteria provided, single submitter. Criteria: GeneDx Variant Classification (06012015). Collection method: clinical testing. Allele origin: germline. Affected: yes.
Comment: This variant is considered likely benign or benign based on one or more of the following criteria: it is a conservative change, it occurs at a poorly conserved position in the protein, it is predicted to be benign by multiple in silico algorithms, and/or has population frequency not consistent with disease.